The following is an entry in ClinVar:

NM_001999.4(FBN2):c.1681C>T (p.His561Tyr)

Gene: FBN2 (fibrillin 2; minus strand). Cytogenetic location: 5q23.3.
Variant type: single nucleotide variant.
Coding change: c.1681C>T on transcript NM_001999.4 (MANE Select); coding-DNA position 1681, C replaced by T.
Protein change: p.His561Tyr; replaces histidine 561 with tyrosine.
Molecular consequence: missense variant.
Genome position (GRCh38, 1-based): chr5:128,378,813, G>A on the plus strand (C>T on the coding strand, the complement: FBN2 is on the minus strand). VCF-style: chr5-128378813-G-A. GRCh37 (hg19) VCF-style: chr5-127714506-G-A.
Other names: short protein forms H561Y.
Identifiers: ClinVar variation 1477417 (VCV001477417.8), dbSNP rs2126960142, ClinGen allele CA360743566.

ClinVar aggregate classification (germline): Uncertain significance (1 of 4 stars; one submission).

Conditions:
Congenital contractural arachnodactyly (CCA). Also called: Arthrogryposis, distal, type 9; BEALS SYNDROME; Beals-Hecht syndrome. Identifiers: Orphanet 115, MedGen C0220668, MONDO:0007363, OMIM 121050.

Allele frequency attached by ClinVar (database versions not stated): gnomAD exomes below 0.00001.
gnomAD v4.1: 6 of 1,613,224 alleles (0.00037%); highest among the groups gnomAD compares: Admixed American, 0.01%; no homozygotes.

Submission:

Labcorp Genetics (formerly Invitae), Labcorp
Classification: Uncertain significance for Congenital contractural arachnodactyly. Last evaluated: 2021-08-28. Review status: criteria provided, single submitter. Criteria: Invitae Variant Classification Sherloc (09022015). Collection method: clinical testing. Allele origin: germline.
Comment: This sequence change replaces histidine with tyrosine at codon 561 of the FBN2 protein (p.His561Tyr). The histidine residue is highly conserved and there is a moderate physicochemical difference between histidine and tyrosine. This variant is not present in population databases (ExAC no frequency). This variant has been observed in individual(s) with pulmonary arterial hypertension with congenital heart disease (PMID: 30029678). Advanced modeling of protein sequence and biophysical properties (such as structural, functional, and spatial information, amino acid conservation, physicochemical variation, residue mobility, and thermodynamic stability) performed at Invitae indicates that this missense variant is not expected to disrupt FBN2 protein function. In summary, the available evidence is currently insufficient to determine the role of this variant in disease. Therefore, it has been classified as a Variant of Uncertain Significance.

Literature cited by the submitters: PubMed 30029678.